The following is an entry in ClinVar:

ClinVar aggregate classification (germline): Benign/Likely benign. Review status: criteria provided, multiple submitters, no conflicts (2 of 4 stars). 20 submissions from 17 submitters: Benign (14); Likely benign (3). 3 of the submissions do not count toward it. Last evaluated 2026-08-01.

Conditions:
Cardiovascular phenotype. Identifiers: MedGen CN230736.
Dilated cardiomyopathy 1G (CMD1G). Identifiers: Orphanet 154, MedGen C1858763, MONDO:0011400, OMIM 604145.
Autosomal recessive limb-girdle muscular dystrophy type 2J (LGMDR10). Also called: MUSCULAR DYSTROPHY, LIMB-GIRDLE, AUTOSOMAL RECESSIVE 10; Limb-girdle muscular dystrophy, type 2J. Identifiers: Orphanet 140922, MedGen C1837342, MONDO:0012127, OMIM 608807.
Cardiomyopathy (CMYO). Also called: Cardiomyopathies. Identifiers: Orphanet 167848, MedGen C0878544, MONDO:0004994, HP:0001638. Inheritance: Various modes of inheritance.
Early-onset myopathy with fatal cardiomyopathy (CMYO5). Also called: CONGENITAL MYOPATHY 5 WITH CARDIOMYOPATHY; Salih Myopathy. Identifiers: Orphanet 289377, MedGen C2673677, MONDO:0012714, OMIM 611705. Disease mechanism: loss of function.
Myopathy, myofibrillar, 9, with early respiratory failure (MFM9). Also called: Myopathy, distal, with early respiratory failure, autosomal dominant; Hereditary myopathy with early respiratory failure; MYOPATHY, PROXIMAL, WITH EARLY RESPIRATORY MUSCLE INVOLVEMENT; EDSTROM MYOPATHY. Identifiers: Orphanet 178464, Orphanet 34521, MedGen C1863599, MONDO:0011362, OMIM 603689.
Tibial muscular dystrophy (TMD). Also called: Udd Distal Myopathy – Tibial Muscular Dystrophy; Tibial muscular dystrophy, tardive; UDD MYOPATHY. Identifiers: Orphanet 609, MedGen C1838244, MONDO:0010870, OMIM 600334.

Allele frequency attached by ClinVar (database versions not stated): gnomAD 0.00215 and 0.00235; 1000 Genomes Project 0.00280; TOPMed 0.00248; gnomAD exomes 0.00055; ExAC 0.00071; ESP Exome Variant Server 0.00213; 1000 Genomes Project 30x 0.00359.
gnomAD v4.1: 702 of 1,613,978 alleles (0.043%); highest among the groups gnomAD compares: African/African-American, 0.83%; 1 homozygote.

Submissions (20):

CeGaT Center for Human Genetics Tuebingen
Classification: Likely benign. Last evaluated: 2026-08-01. Review status: criteria provided, single submitter. Criteria: CeGaT Center For Human Genetics Tuebingen Variant Classification Criteria Version 2. Collection method: clinical testing. Allele origin: germline. Affected: yes. Observed: 3 variant alleles.
Comment: TTN: BP4, BP7

Labcorp Genetics (formerly Invitae), Labcorp
Classification: Benign for Dilated cardiomyopathy 1G; Autosomal recessive limb-girdle muscular dystrophy type 2J. Last evaluated: 2026-02-01. Review status: criteria provided, single submitter. Criteria: Invitae Variant Classification Sherloc (09022015). Collection method: clinical testing. Allele origin: germline.

ARUP Laboratories, Molecular Genetics and Genomics, ARUP Laboratories
Classification: Benign. Last evaluated: 2025-05-20. Review status: criteria provided, single submitter. Criteria: ARUP Molecular Germline Variant Investigation Process 2024. Collection method: clinical testing. Allele origin: germline.

Molecular Diagnostic Laboratory for Inherited Cardiovascular Disease, Montreal Heart Institute
Classification: Benign. Last evaluated: 2025-04-09. Review status: criteria provided, single submitter. Criteria: ACMG Guidelines, 2015. Collection method: clinical testing. Allele origin: germline. Affected: no.

Blueprint Genetics
Classification: Likely benign. Last evaluated: 2024-11-06. Review status: criteria provided, single submitter. Criteria: ACMG Guidelines, 2015. Collection method: clinical testing. Allele origin: germline.

CHEO Genetics Diagnostic Laboratory, Children's Hospital of Eastern Ontario
Classification: Benign for Cardiomyopathy. Last evaluated: 2022-12-12. Review status: criteria provided, single submitter. Criteria: ACMG Guidelines, 2015. Collection method: clinical testing. Allele origin: germline.

Women's Health and Genetics/Laboratory Corporation of America, LabCorp
Classification: Benign. Last evaluated: 2022-05-07. Review status: criteria provided, single submitter. Criteria: LabCorp Variant Classification Summary - May 2015. Collection method: clinical testing. Allele origin: germline.

Genome-Nilou Lab
Classification: Benign for Tibial muscular dystrophy. Last evaluated: 2021-09-10. Review status: criteria provided, single submitter. Criteria: ACMG Guidelines, 2015. Collection method: clinical testing. Allele origin: germline. Affected: no.

Genome-Nilou Lab
Classification: Benign for Autosomal recessive limb-girdle muscular dystrophy type 2J. Last evaluated: 2021-09-10. Review status: criteria provided, single submitter. Criteria: ACMG Guidelines, 2015. Collection method: clinical testing. Allele origin: germline. Affected: no.

Genome-Nilou Lab
Classification: Benign for Myopathy, myofibrillar, 9, with early respiratory failure. Last evaluated: 2021-09-10. Review status: criteria provided, single submitter. Criteria: ACMG Guidelines, 2015. Collection method: clinical testing. Allele origin: germline. Affected: no.

Genome-Nilou Lab
Classification: Benign for Early-onset myopathy with fatal cardiomyopathy. Last evaluated: 2021-09-10. Review status: criteria provided, single submitter. Criteria: ACMG Guidelines, 2015. Collection method: clinical testing. Allele origin: germline. Affected: no.

Athena Diagnostics
Classification: Benign. Last evaluated: 2018-12-27. Review status: criteria provided, single submitter. Criteria: Athena Diagnostics Criteria. Collection method: clinical testing. Allele origin: germline.

Eurofins Ntd Llc (ga)
Classification: Benign. Last evaluated: 2016-08-01. Review status: criteria provided, single submitter. Criteria: EGL Classification Definitions 2015. Collection method: clinical testing. Allele origin: germline. Observed: 5 variant alleles, 5 heterozygotes.

Ambry Genetics
Classification: Benign for Cardiovascular phenotype. Last evaluated: 2016-01-21. Review status: criteria provided, single submitter. Criteria: Ambry Variant Classification Scheme 2023. Collection method: clinical testing. Allele origin: germline.

GeneDx
Classification: Benign. Last evaluated: 2014-05-15. Review status: criteria provided, single submitter. Criteria: GeneDx Variant Classification (06012015). Collection method: clinical testing. Allele origin: germline. Affected: yes.
Comment: This variant is considered likely benign or benign based on one or more of the following criteria: it is a conservative change, it occurs at a poorly conserved position in the protein, it is predicted to be benign by multiple in silico algorithms, and/or has population frequency not consistent with disease.

Laboratory for Molecular Medicine, Mass General Brigham Personalized Medicine
Classification: Benign. Last evaluated: 2012-04-11. Review status: criteria provided, single submitter. Criteria: LMM Criteria. Collection method: clinical testing. Allele origin: germline. Observed: 3 variant alleles.
Comment: Asn33051Asn in exon 309 of TTN: This variant is not expected to have clinical si gnificance because it does not alter an amino acid residue, is not located withi n the splice consensus sequence, and it has been identified in 0.7% (23/3200) of African American chromosomes from a broad population by the NHLBI Exome Sequenc ing Project (dbSNP rs116604145)

Breakthrough Genomics
Classification: Likely benign. Review status: criteria provided, single submitter. Criteria: ACMG Guidelines, 2015. Collection method: not provided. Allele origin: germline. Inheritance: Autosomal recessive inheritance. Affected: yes.

Clinical Genetics DNA and cytogenetics Diagnostics Lab, Erasmus MC, Erasmus Medical Center
Classification: Likely benign. Review status: no assertion criteria provided. Collection method: clinical testing. Allele origin: germline. Affected: yes. Study: VKGL Data-share Consensus. Not counted in ClinVar's aggregate classification.

Clinical Genetics, Academic Medical Center
Classification: Benign. Review status: no assertion criteria provided. Collection method: clinical testing. Allele origin: germline. Affected: yes. Study: VKGL Data-share Consensus. Not counted in ClinVar's aggregate classification.

Diagnostic Laboratory, Department of Genetics, University Medical Center Groningen
Classification: Likely benign. Review status: no assertion criteria provided. Collection method: clinical testing. Allele origin: germline. Affected: yes. Study: VKGL Data-share Consensus. Not counted in ClinVar's aggregate classification.

NM_001267550.2(TTN):c.106857C>T (p.Asn35619=)

Genes: TTN (titin; minus strand), TTN-AS1 (TTN antisense RNA 1; plus strand). Cytogenetic location: 2q31.2.
Variant type: single nucleotide variant.
Coding change: c.106857C>T on transcript NM_001267550.2 (MANE Select); coding-DNA position 106857, C replaced by T.
Protein change: p.Asn35619=; no amino-acid change (asparagine 35619 retained).
Molecular consequence: synonymous variant.
Genome position (GRCh38, 1-based): chr2:178,528,894, G>A on the plus strand (C>T on the coding strand, the complement: TTN is on the minus strand). VCF-style: chr2-178528894-G-A. GRCh37 (hg19) VCF-style: chr2-179393621-G-A.
Other names: p.N33978N:AAC>AAT; c.101934C>T, p.Asn33978= (NM_001256850.1); c.79662C>T, p.Asn26554= (NM_003319.4); c.99153C>T, p.Asn33051= (NM_133378.4); c.80037C>T, p.Asn26679= (NM_133432.3); c.80238C>T, p.Asn26746= (NM_133437.4).
Identifiers: ClinVar variation 47715 (VCV000047715.68), dbSNP rs116604145, ClinGen allele CA232521.
Genomic context (GRCh38, chr2:178,528,894, plus strand): 5'-TACCCATTTCACATCAGTGGCACCAGCAATGTTGGCTTTTAAAACCAGTCTTTGACCTTC[G>A]TTTATGCTCATCTGAGTAGAAAATGCTTTAATCTCAGCATGAGTTCTGACTTCTTCTGAT-3'
Protein context (NP_001254479.2, residues 35609-35629): IKAFSTQMSI[Asn35619=]EGQRLVLKAN